The following is an entry in ClinVar:

NM_031935.3(HMCN1):c.10453A>G (p.Ser3485Gly)

Gene: HMCN1 (hemicentin 1; plus strand). Cytogenetic location: 1q31.1.
Variant type: single nucleotide variant.
Coding change: c.10453A>G on transcript NM_031935.3 (MANE Select); coding-DNA position 10453, A replaced by G.
Protein change: p.Ser3485Gly; replaces serine 3485 with glycine.
Molecular consequence: missense variant.
Genome position (GRCh38, 1-based): chr1:186,095,401, A>G. VCF-style: chr1-186095401-A-G. GRCh37 (hg19) VCF-style: chr1-186064533-A-G.
Other names: short protein forms S3485G.
Identifiers: ClinVar variation 2819502 (VCV002819502.3), dbSNP rs2527933990, ClinGen allele CA343930811.

ClinVar aggregate classification (germline): Uncertain significance (1 of 4 stars; one submission).

Submission:

Labcorp Genetics (formerly Invitae), Labcorp
Classification: Uncertain significance. Last evaluated: 2023-04-06. Review status: criteria provided, single submitter. Criteria: Invitae Variant Classification Sherloc (09022015). Collection method: clinical testing. Allele origin: germline.
Comment: In summary, the available evidence is currently insufficient to determine the role of this variant in disease. Therefore, it has been classified as a Variant of Uncertain Significance. This sequence change replaces serine, which is neutral and polar, with glycine, which is neutral and non-polar, at codon 3485 of the HMCN1 protein (p.Ser3485Gly). This variant is not present in population databases (gnomAD no frequency). This variant has not been reported in the literature in individuals affected with HMCN1-related conditions. Algorithms developed to predict the effect of missense changes on protein structure and function output the following: SIFT: "Not Available"; PolyPhen-2: "Benign"; Align-GVGD: "Not Available". The glycine amino acid residue is found in multiple mammalian species, which suggests that this missense change does not adversely affect protein function.